The following is an entry in ClinVar:

ClinVar aggregate classification (germline): Uncertain significance. Review status: criteria provided, multiple submitters, no conflicts (2 of 4 stars). 4 submissions from 4 submitters: Uncertain significance (4). Last evaluated 2022-07-26.

Allele frequency attached by ClinVar (database versions not stated): 1000 Genomes Project 30x 0.00016; 1000 Genomes Project 0.00020; gnomAD exomes 0.00047; ExAC 0.00051; TOPMed 0.00058; ESP Exome Variant Server 0.00078.
gnomAD v4.1: 1,667 of 1,604,110 alleles (0.1%); highest among the groups gnomAD compares: Non-Finnish European, 0.13%; 3 homozygotes.

Submissions (4):

Labcorp Genetics (formerly Invitae), Labcorp
Classification: Uncertain significance. Last evaluated: 2022-07-26. Review status: criteria provided, single submitter. Criteria: Invitae Variant Classification Sherloc (09022015). Collection method: clinical testing. Allele origin: germline.
Comment: This sequence change replaces glycine, which is neutral and non-polar, with cysteine, which is neutral and slightly polar, at codon 238 of the AGMO protein (p.Gly238Cys). This variant is present in population databases (rs139972453, gnomAD 0.09%), and has an allele count higher than expected for a pathogenic variant. This missense change has been observed in individual(s) with AGMO-related conditions (PMID: 31555905). In at least one individual the data is consistent with being in trans (on the opposite chromosome) from a pathogenic variant. ClinVar contains an entry for this variant (Variation ID: 1042080). Algorithms developed to predict the effect of missense changes on protein structure and function are either unavailable or do not agree on the potential impact of this missense change (SIFT: "Deleterious"; PolyPhen-2: "Probably Damaging"; Align-GVGD: "Class C0"). Experimental studies have shown that this missense change affects AGMO function (PMID: 31555905). Algorithms developed to predict the effect of sequence changes on RNA splicing suggest that this variant may disrupt the consensus splice site. In summary, the available evidence is currently insufficient to determine the role of this variant in disease. Therefore, it has been classified as a Variant of Uncertain Significance.

Illumina Laboratory Services, Illumina
Classification: Uncertain significance. Last evaluated: 2021-09-23. Review status: criteria provided, single submitter. Criteria: ICSLVariantClassificationCriteria RUGD 01 April 2020. Collection method: clinical testing. Allele origin: unknown.
Comment: The AGMO c.712G>T (p.Gly238Cys) variant is a missense variant. This variant has been reported in one study in the literature (Okur et al. 2019). The p.Gly238Cys variant is reported at a frequency of 0.001075 in the European (non-Finnish) population of the Genome Aggregation Database (version 3.1.1), which includes one homozygote. Evaluation of AGMO activity in HEK293T cells with the p.Gly238Cys variant showed significant reduction compared to cells expressing wild-type cDNA (Okur et al. 2019). Based on the available evidence, the p.Gly238Cys variant is classified as a variant of uncertain significance.

New York Genome Center
Classification: Uncertain significance. Last evaluated: 2020-05-29. Review status: criteria provided, single submitter. Criteria: NYGC Assertion Criteria 2020. Collection method: clinical testing. Allele origin: germline. Observed: 1 heterozygote. Study: CSER-NYCKidSeq.

Breakthrough Genomics
Classification: Uncertain significance. Review status: criteria provided, single submitter. Criteria: ACMG Guidelines, 2015. Collection method: not provided. Allele origin: germline. Inheritance: Unknown mechanism. Affected: yes.

Literature cited by the submitters: PubMed 31555905 (cited by Labcorp Genetics (formerly Invitae), Labcorp and Illumina Laboratory Services, Illumina).

NM_001004320.2(AGMO):c.712G>T (p.Gly238Cys)

Gene: AGMO (alkylglycerol monooxygenase; minus strand). Cytogenetic location: 7p21.2.
Variant type: single nucleotide variant.
Coding change: c.712G>T on transcript NM_001004320.2 (MANE Select); coding-DNA position 712, G replaced by T.
Protein change: p.Gly238Cys; replaces glycine 238 with cysteine.
Molecular consequence: missense variant.
Genome position (GRCh38, 1-based): chr7:15,390,870, C>A on the plus strand (G>T on the coding strand, the complement: AGMO is on the minus strand). VCF-style: chr7-15390870-C-A. GRCh37 (hg19) VCF-style: chr7-15430495-C-A.
Other names: short protein forms G238C.
Identifiers: ClinVar variation 1042080 (VCV001042080.8), dbSNP rs139972453, ClinGen allele CA4168628.
Genomic context (GRCh38, chr7:15,390,870, plus strand): 5'-AATTTTTTGATTTTAATACATTTTACTTACCAAAAATTTTATCCCAAATAATAAGAACAC[C>A]AGCATAATTTTTGTCTATGCAATAACGATTTCTGCCTATGAGACAAAATATTAGAAATTT-3'
Protein context (NP_001004320.1, residues 228-248): NRYCIDKNYA[Gly238Cys]VLIIWDKIFG